The following is an entry in ClinVar:

ClinVar aggregate classification (germline): Uncertain significance. Review status: criteria provided, multiple submitters, no conflicts (2 of 4 stars). 2 submissions from 2 submitters: Uncertain significance (2). Last evaluated 2022-01-04.

Conditions:
Inborn genetic diseases. Identifiers: MedGen C0950123, MeSH D030342.

Allele frequency attached by ClinVar (database versions not stated): gnomAD exomes below 0.00001 and 0.00001; TOPMed below 0.00001; ExAC 0.00001; gnomAD 0.00003.
gnomAD v4.1: 12 of 1,610,862 alleles (0.00074%); highest among the groups gnomAD compares: Non-Finnish European, 0.001%; no homozygotes.

Submissions (2):

Ambry Genetics
Classification: Uncertain significance for Inborn genetic diseases. Last evaluated: 2022-01-04. Review status: criteria provided, single submitter. Criteria: Ambry Variant Classification Scheme 2023. Collection method: clinical testing. Allele origin: germline.

Labcorp Genetics (formerly Invitae), Labcorp
Classification: Uncertain significance. Last evaluated: 2021-08-24. Review status: criteria provided, single submitter. Criteria: Invitae Variant Classification Sherloc (09022015). Collection method: clinical testing. Allele origin: germline.
Comment: This sequence change replaces isoleucine with methionine at codon 4530 of the PCLO protein (p.Ile4530Met). The isoleucine residue is moderately conserved and there is a small physicochemical difference between isoleucine and methionine. This variant is present in population databases (rs749861396, ExAC 0.002%). This variant has not been reported in the literature in individuals affected with PCLO-related conditions. Algorithms developed to predict the effect of missense changes on protein structure and function are either unavailable or do not agree on the potential impact of this missense change (SIFT: "Deleterious"; PolyPhen-2: "Not Available"; Align-GVGD: "Class C0"). In summary, the available evidence is currently insufficient to determine the role of this variant in disease. Therefore, it has been classified as a Variant of Uncertain Significance.

NM_033026.6(PCLO):c.13590T>G (p.Ile4530Met)

Gene: PCLO (piccolo presynaptic cytomatrix protein; minus strand). Cytogenetic location: 7q21.11.
Variant type: single nucleotide variant.
Coding change: c.13590T>G on transcript NM_033026.6 (MANE Select); coding-DNA position 13590, T replaced by G.
Protein change: p.Ile4530Met; replaces isoleucine 4530 with methionine.
Molecular consequence: missense variant.
Genome position (GRCh38, 1-based): chr7:82,879,401, A>C on the plus strand (T>G on the coding strand, the complement: PCLO is on the minus strand). VCF-style: chr7-82879401-A-C. GRCh37 (hg19) VCF-style: chr7-82508717-A-C.
Other names: c.13590T>G, p.Ile4530Met (NM_014510.3); c.13590T>G (NM_033026.5); short protein forms I4530M.
Identifiers: ClinVar variation 1505785 (VCV001505785.6), dbSNP rs749861396, ClinGen allele CA4319092.